The following is an entry in ClinVar:

NM_003680.4(YARS1):c.569A>G (p.Lys190Arg)

Gene: YARS1 (tyrosyl-tRNA synthetase 1; minus strand). Cytogenetic location: 1p35.1.
Variant type: single nucleotide variant.
Coding change: c.569A>G on transcript NM_003680.4 (MANE Select); coding-DNA position 569, A replaced by G.
Protein change: p.Lys190Arg; replaces lysine 190 with arginine.
Molecular consequence: missense variant.
Genome position (GRCh38, 1-based): chr1:32,797,785, T>C on the plus strand (A>G on the coding strand, the complement: YARS1 is on the minus strand). VCF-style: chr1-32797785-T-C. GRCh37 (hg19) VCF-style: chr1-33263386-T-C.
Other names: short protein forms K190R.
Identifiers: ClinVar variation 574600 (VCV000574600.8), dbSNP rs750198437, ClinGen allele CA745167.

ClinVar aggregate classification (germline): Uncertain significance (1 of 4 stars; one submission).

Conditions:
Charcot-Marie-Tooth disease dominant intermediate C (CMTDIC). Also called: CHARCOT-MARIE-TOOTH NEUROPATHY, DOMINANT INTERMEDIATE C. Identifiers: Orphanet 100045, MedGen C1842237, MONDO:0012012, OMIM 608323.

Allele frequency attached by ClinVar (database versions not stated): gnomAD exomes 0.00003; ExAC 0.00003.
gnomAD v4.1: 19 of 1,614,176 alleles (0.0012%); highest among the groups gnomAD compares: South Asian, 0.018%; no homozygotes.

Submission:

Labcorp Genetics (formerly Invitae), Labcorp
Classification: Uncertain significance for Charcot-Marie-Tooth disease dominant intermediate C. Last evaluated: 2022-10-24. Review status: criteria provided, single submitter. Criteria: Invitae Variant Classification Sherloc (09022015). Collection method: clinical testing. Allele origin: germline.
Comment: This missense change has been observed in individual(s) with clinical features of YARS-related conditions (Invitae). In summary, the available evidence is currently insufficient to determine the role of this variant in disease. Therefore, it has been classified as a Variant of Uncertain Significance. Advanced modeling of protein sequence and biophysical properties (such as structural, functional, and spatial information, amino acid conservation, physicochemical variation, residue mobility, and thermodynamic stability) performed at Invitae indicates that this missense variant is expected to disrupt YARS protein function. ClinVar contains an entry for this variant (Variation ID: 574600). This variant is present in population databases (rs750198437, gnomAD 0.02%). This sequence change replaces lysine, which is basic and polar, with arginine, which is basic and polar, at codon 190 of the YARS protein (p.Lys190Arg).